The following is an entry in ClinVar:

NM_001277115.2(DNAH11):c.3020T>G (p.Leu1007Ter)

Genes: DNAH11 (dynein axonemal heavy chain 11; plus strand), LOC126859961 (BRD4-independent group 4 enhancer GRCh37_chr7:21639662-21640861; plus strand). Cytogenetic location: 7p15.3.
Variant type: single nucleotide variant.
Coding change: c.3020T>G on transcript NM_001277115.2 (MANE Select); coding-DNA position 3020, T replaced by G.
Protein change: p.Leu1007Ter; replaces leucine 1007 with a stop codon.
Molecular consequence: nonsense.
Genome position (GRCh38, 1-based): chr7:21,600,695, T>G. VCF-style: chr7-21600695-T-G. GRCh37 (hg19) VCF-style: chr7-21640313-T-G.
Other names: short protein forms L1007*.
Identifiers: ClinVar variation 1452056 (VCV001452056.7), dbSNP rs1480698078, ClinGen allele CA366944938.
Genomic context (GRCh38, chr7:21,600,695, plus strand): 5'-GTTGGTTTGAATAGTAAGTGCTGTGTTTTCCTCTCATTTAGAATGATATGGATAACATGT[T>G]AGGCCTGGCAGAGGTCAGGCAGGAGATCATGAACAGAGTGGTGAATGTCATCAACAAAGT-3'

ClinVar aggregate classification (germline): Pathogenic. Review status: criteria provided, single submitter (1 of 4 stars). 2 submissions from 2 submitters: Pathogenic (1). 1 of the submissions does not count toward it. Last evaluated 2025-10-09.

Conditions:
Kartagener syndrome (CILD1). Also called: CILIARY DYSKINESIA, PRIMARY, 1, WITH OR WITHOUT SITUS INVERSUS; IMMOTILE CILIA SYNDROME; CILIARY DYSKINESIA, PRIMARY, 1; POLYNESIAN BRONCHIECTASIS; Dextrocardia bronchiectasis and sinusitis; SIEWERT SYNDROME. Identifiers: Orphanet 244, MedGen C4551906, MONDO:0009484, OMIM 244400.
Primary ciliary dyskinesia. Also called: Ciliary dyskinesia. Identifiers: Orphanet 244, MedGen C0008780, MONDO:0016575, HP:0012265.

Allele frequency attached by ClinVar (database versions not stated): gnomAD exomes below 0.00001; TOPMed 0.00001.

Submissions (2):

Labcorp Genetics (formerly Invitae), Labcorp
Classification: Pathogenic for Primary ciliary dyskinesia. Last evaluated: 2025-10-09. Review status: criteria provided, single submitter. Criteria: Invitae Variant Classification Sherloc (09022015). Collection method: clinical testing. Allele origin: germline.
Comment: This sequence change creates a premature translational stop signal (p.Leu1007*) in the DNAH11 gene. It is expected to result in an absent or disrupted protein product. Loss-of-function variants in DNAH11 are known to be pathogenic (PMID: 18022865, 20513915, 22184204). This variant is present in population databases (no rsID available, gnomAD 0.006%). This premature translational stop signal has been observed in individual(s) with primary ciliary dyskinesia (PMID: 33577779). ClinVar contains an entry for this variant (Variation ID: 1452056). For these reasons, this variant has been classified as Pathogenic.

Department of General Medicine, School of Medicine, International University of Health and Welfare (IUHW), IUHW Shioya Hospital
Classification: Pathogenic for Kartagener syndrome. Last evaluated: 2021-01-01. Review status: no assertion criteria provided. Collection method: clinical testing. Allele origin: maternal. Inheritance: Autosomal recessive inheritance. Affected: yes. Observed: 1 compound heterozygote. Not counted in ClinVar's aggregate classification.

Literature cited by the submitters: PubMed 18022865 (cited by Labcorp Genetics (formerly Invitae), Labcorp); PubMed 20513915 (cited by Labcorp Genetics (formerly Invitae), Labcorp); PubMed 22184204 (cited by Labcorp Genetics (formerly Invitae), Labcorp); PubMed 33577779 (cited by Labcorp Genetics (formerly Invitae), Labcorp); PubMed 26909801 (cited by Department of General Medicine, School of Medicine, International University of Health and Welfare (IUHW), IUHW Shioya Hospital); PubMed 12142464 (cited by Department of General Medicine, School of Medicine, International University of Health and Welfare (IUHW), IUHW Shioya Hospital).